The following is an entry in ClinVar:

ClinVar aggregate classification (germline): Uncertain significance (1 of 4 stars; one submission).

Conditions:
Very long chain acyl-CoA dehydrogenase deficiency (ACADVLD). Also called: VLCAD Deficiency; Very Long-Chain Acyl-Coenzyme A Dehydrogenase Deficiency. Identifiers: Orphanet 26793, MedGen C3887523, MONDO:0008723, OMIM 201475.

Allele frequency attached by ClinVar (database versions not stated): gnomAD exomes below 0.00001.

Submission:

Labcorp Genetics (formerly Invitae), Labcorp
Classification: Uncertain significance for Very long chain acyl-CoA dehydrogenase deficiency. Last evaluated: 2021-08-31. Review status: criteria provided, single submitter. Criteria: Invitae Variant Classification Sherloc (09022015). Collection method: clinical testing. Allele origin: germline.
Comment: This sequence change replaces isoleucine with leucine at codon 176 of the ACADVL protein (p.Ile176Leu). The isoleucine residue is moderately conserved and there is a small physicochemical difference between isoleucine and leucine. This variant is not present in population databases (ExAC no frequency). This missense change has been observed in individual(s) with a positive newborn screening result for ACADVL-related disease (Invitae). Algorithms developed to predict the effect of missense changes on protein structure and function are either unavailable or do not agree on the potential impact of this missense change (SIFT: "Deleterious"; PolyPhen-2: "Possibly Damaging"; Align-GVGD: "Class C0"). In summary, the available evidence is currently insufficient to determine the role of this variant in disease. Therefore, it has been classified as a Variant of Uncertain Significance.

NM_000018.4(ACADVL):c.526A>C (p.Ile176Leu)

Gene: ACADVL (acyl-CoA dehydrogenase very long chain; plus strand). Cytogenetic location: 17p13.1.
Variant type: single nucleotide variant.
Coding change: c.526A>C on transcript NM_000018.4 (MANE Select); coding-DNA position 526, A replaced by C.
Protein change: p.Ile176Leu; replaces isoleucine 176 with leucine.
Molecular consequence: missense variant.
Genome position (GRCh38, 1-based): chr17:7,221,586, A>C. VCF-style: chr17-7221586-A-C. GRCh37 (hg19) VCF-style: chr17-7124905-A-C.
Other names: c.460A>C, p.Ile154Leu (NM_001033859.3); c.595A>C, p.Ile199Leu (NM_001270447.2); c.298A>C, p.Ile100Leu (NM_001270448.2); short protein forms I100L, I154L, I176L, I199L.
Identifiers: ClinVar variation 1025778 (VCV001025778.6), dbSNP rs1300720825, ClinGen allele CA397723092.